The following is an entry in ClinVar:

NM_005529.7(HSPG2):c.10984G>T (p.Val3662Leu)

Gene: HSPG2 (heparan sulfate proteoglycan 2; minus strand). Cytogenetic location: 1p36.12.
Variant type: single nucleotide variant.
Coding change: c.10984G>T on transcript NM_005529.7 (MANE Select); coding-DNA position 10984, G replaced by T.
Protein change: p.Val3662Leu; replaces valine 3662 with leucine.
Molecular consequence: missense variant.
Genome position (GRCh38, 1-based): chr1:21,833,379, C>A on the plus strand (G>T on the coding strand, the complement: HSPG2 is on the minus strand). VCF-style: chr1-21833379-C-A. GRCh37 (hg19) VCF-style: chr1-22159872-C-A.
Other names: c.10987G>T, p.Val3663Leu (NM_001291860.2); short protein forms V3662L, V3663L.
Identifiers: ClinVar variation 3571826 (VCV003571826.1).

ClinVar aggregate classification (germline): Uncertain significance (1 of 4 stars; one submission).

gnomAD v4.1: 3 of 1,614,020 alleles (0.00019%); highest among the groups gnomAD compares: Non-Finnish European, 0.00025%; no homozygotes.

Submission:

Athena Diagnostics
Classification: Uncertain significance. Last evaluated: 2024-05-09. Review status: criteria provided, single submitter. Criteria: Athena Diagnostics Criteria. Collection method: clinical testing. Allele origin: unknown.
Comment: Available data are insufficient to determine the clinical significance of the variant at this time. The frequency of this variant in the general population is uninformative in assessment of its pathogenicity. Polyphen and MutationTaster predict this amino acid change may be benign.